The following is an entry in ClinVar:

ClinVar aggregate classification (germline): Pathogenic (1 of 4 stars; one submission).

Conditions:
Neurofibromatosis, type 1 (NF1). Also called: VON RECKLINGHAUSEN DISEASE; NEUROFIBROMATOSIS, TYPE I, SOMATIC; Peripheral type neurofibromatosis; Neurofibromatosis, type I. Identifiers: Orphanet 636, MedGen C0027831, MONDO:0018975, OMIM 162200. Disease mechanism: loss of function.

Submission:

Labcorp Genetics (formerly Invitae), Labcorp
Classification: Pathogenic for Neurofibromatosis, type 1. Last evaluated: 2024-10-18. Review status: criteria provided, single submitter. Criteria: Invitae Variant Classification Sherloc (09022015). Collection method: clinical testing. Allele origin: germline.
Comment: This sequence change creates a premature translational stop signal (p.Leu552*) in the NF1 gene. It is expected to result in an absent or disrupted protein product. Loss-of-function variants in NF1 are known to be pathogenic (PMID: 10712197, 23913538). This variant is not present in population databases (gnomAD no frequency). This variant has not been reported in the literature in individuals affected with NF1-related conditions. Algorithms developed to predict the effect of sequence changes on RNA splicing suggest that this variant may disrupt the consensus splice site. For these reasons, this variant has been classified as Pathogenic.

Literature cited by the submitters: PubMed 10712197; PubMed 23913538.

NM_001042492.3(NF1):c.1654_1663del (p.Val551_Leu552insTer)

Gene: NF1 (neurofibromin 1; plus strand). Cytogenetic location: 17q11.2.
Variant type: Deletion.
Coding change: c.1654_1663del on transcript NM_001042492.3 (MANE Select); coding-DNA positions 1654 to 1663, 10 bases deleted (CTTCATCAGT; older notation c.1654_1663delCTTCATCAGT).
Protein change: p.Val551_Leu552insTer.
Molecular consequence: nonsense. On other transcripts: frameshift variant (1).
Genome position (GRCh38, 1-based): chr17:31,221,862-31,221,871, CTTCATCAGT deleted; deleting any 10 consecutive bases within chr17:31,221,861-31,221,871 gives the same sequence; the c. name uses the placement nearest the transcript's 3' end. VCF-style (leftmost placement, unchanged base first): chr17-31221860-TTCTTCATCAG-T. GRCh37 (hg19) VCF-style: chr17-29548878-TTCTTCATCAG-T.
Other names: c.1654_1663delCTTCATCAGT, p.Leu552Terfs (NM_000267.4); c.1654_1663del, p.Val551_Leu552insTer (NM_001128147.3).
Identifiers: ClinVar variation 3722623 (VCV003722623.2).